The following is an entry in ClinVar:

NM_001080.3(ALDH5A1):c.*1840G>A

Gene: ALDH5A1 (aldehyde dehydrogenase 5 family member A1; plus strand). Cytogenetic location: 6p22.3.
Variant type: single nucleotide variant.
Coding change: c.*1840G>A on transcript NM_001080.3 (MANE Select); 1840 bases downstream of the stop codon, G replaced by A.
Molecular consequence: 3 prime UTR variant.
Genome position (GRCh38, 1-based): chr6:24,535,552, G>A. VCF-style: chr6-24535552-G-A. GRCh37 (hg19) VCF-style: chr6-24535780-G-A.
Other names: c.*1840G>A (NM_001368954.1, NM_170740.1).
Identifiers: ClinVar variation 356175 (VCV000356175.5), dbSNP rs2744602, ClinGen allele CA10626523.

ClinVar aggregate classification (germline): Benign (1 of 4 stars; one submission).

Conditions:
Succinate-semialdehyde dehydrogenase deficiency (SSADHD). Also called: Succinic Semialdehyde Dehydrogenase Deficiency; 4-HYDROXYBUTYRIC ACIDURIA; GABA METABOLIC DEFECT; SSADH DEFICIENCY. Identifiers: Orphanet 22, MedGen C0268631, MONDO:0010083, OMIM 271980.

Allele frequency attached by ClinVar (database versions not stated): 1000 Genomes Project 0.26797; 1000 Genomes Project 30x 0.27155; gnomAD 0.28763 and 0.29135; TOPMed 0.28896.

Submission:

Illumina Laboratory Services, Illumina
Classification: Benign for Succinate-semialdehyde dehydrogenase deficiency. Last evaluated: 2018-01-12. Review status: criteria provided, single submitter. Criteria: ICSL Variant Classification Criteria 13 December 2019. Collection method: clinical testing. Allele origin: germline.
Comment: This variant was observed in the ICSL laboratory as part of a predisposition screen in an ostensibly healthy population. It had not been previously curated by ICSL or reported in the Human Gene Mutation Database (HGMD: prior to June 1st, 2018), and was therefore a candidate for classification through an automated scoring system. Utilizing variant allele frequency, disease prevalence and penetrance estimates, and inheritance mode, an automated score was calculated to assess if this variant is too frequent to cause the disease. Based on the score and internal cut-off values, a variant classified as benign is not then subjected to further curation. The score for this variant resulted in a classification of benign for this disease.